The following is an entry in ClinVar:

ClinVar aggregate classification (germline): Uncertain significance. Review status: criteria provided, multiple submitters, no conflicts (2 of 4 stars). 2 submissions from 2 submitters: Uncertain significance (2). Last evaluated 2024-01-29.

Conditions:
Rhabdoid tumor predisposition syndrome 2 (RTPS2). Identifiers: Orphanet 231108, Orphanet 69077, MedGen C2750074, MONDO:0013224, OMIM 613325.
Hereditary cancer-predisposing syndrome. Also called: Neoplastic Syndromes, Hereditary; Tumor predisposition; Hereditary neoplastic syndrome; Hereditary Cancer Syndrome. Identifiers: Orphanet 140162, MedGen C0027672, MeSH D009386, MONDO:0015356.

Submissions (2):

Labcorp Genetics (formerly Invitae), Labcorp
Classification: Uncertain significance for Rhabdoid tumor predisposition syndrome 2. Last evaluated: 2024-01-29. Review status: criteria provided, single submitter. Criteria: Invitae Variant Classification Sherloc (09022015). Collection method: clinical testing. Allele origin: germline.
Comment: This sequence change replaces glycine, which is neutral and non-polar, with serine, which is neutral and polar, at codon 1604 of the SMARCA4 protein (p.Gly1604Ser). This variant is not present in population databases (gnomAD no frequency). This variant has not been reported in the literature in individuals affected with SMARCA4-related conditions. ClinVar contains an entry for this variant (Variation ID: 2452830). Advanced modeling of protein sequence and biophysical properties (such as structural, functional, and spatial information, amino acid conservation, physicochemical variation, residue mobility, and thermodynamic stability) has been performed at Invitae for this missense variant, however the output from this modeling did not meet the statistical confidence thresholds required to predict the impact of this variant on SMARCA4 protein function. In summary, the available evidence is currently insufficient to determine the role of this variant in disease. Therefore, it has been classified as a Variant of Uncertain Significance.

Ambry Genetics
Classification: Uncertain significance for Hereditary cancer-predisposing syndrome. Last evaluated: 2022-11-15. Review status: criteria provided, single submitter. Criteria: Ambry Variant Classification Scheme 2023. Collection method: clinical testing. Allele origin: germline.
Comment: The p.G1604S variant (also known as c.4810G>A), located in coding exon 33 of the SMARCA4 gene, results from a G to A substitution at nucleotide position 4810. The glycine at codon 1604 is replaced by serine, an amino acid with similar properties. This amino acid position is highly conserved in available vertebrate species. Missense and in-frame variants in SMARCA4 are known to cause neurodevelopmental disorders; however, such associations with rhabdoid tumor predisposition syndrome including small cell carcinoma of the ovary-hypercalcemic type (SCCOHT) are exceedingly rare (Kosho T et al. Am J Med Genet C Semin Med Genet. 2014 Sep;166C(3):262-75; Jelinic P et al. Nat Genet. 2014 May;46(5):424-6). In addition, the in silico prediction for this alteration is inconclusive. Based on the supporting evidence, the association of this alteration with Coffin-Siris syndrome is unknown; however, the association of this alteration with rhabdoid tumor predisposition syndrome is unlikely.

NM_003072.5(SMARCA4):c.4714G>A (p.Gly1572Ser)

Gene: SMARCA4 (SWI/SNF related BAF chromatin remodeling complex subunit ATPase 4; plus strand). Cytogenetic location: 19p13.2.
Variant type: single nucleotide variant.
Coding change: c.4714G>A on transcript NM_003072.5 (MANE Select); coding-DNA position 4714, G replaced by A.
Protein change: p.Gly1572Ser; replaces glycine 1572 with serine.
Molecular consequence: missense variant. On other transcripts: non-coding transcript variant (1).
Genome position (GRCh38, 1-based): chr19:11,059,831, G>A. VCF-style: chr19-11059831-G-A. GRCh37 (hg19) VCF-style: chr19-11170507-G-A.
Other names: c.4714G>A, p.Gly1572Ser (NM_001128844.3); c.4624G>A, p.Gly1542Ser (NM_001128845.2); c.4621G>A, p.Gly1541Ser (NM_001128846.2); c.4615G>A, p.Gly1539Ser (NM_001128847.4, NM_001374457.1); c.4612G>A, p.Gly1538Ser (NM_001128848.2); c.4810G>A, p.Gly1604Ser (NM_001128849.3, NM_001387283.1); c.4711G>A, p.Gly1571Ser (NM_001411150.1); short protein forms G1538S, G1539S, G1541S, G1542S, G1572S, G1604S, G1571S.
Identifiers: ClinVar variation 2452830 (VCV002452830.5), dbSNP rs2147115139, ClinGen allele CA404079535.